The following is an entry in ClinVar:

ClinVar aggregate classification (germline): Uncertain significance (1 of 4 stars; one submission).

Submission:

Ambry Genetics
Classification: Uncertain significance. Last evaluated: 2025-09-04. Review status: criteria provided, single submitter. Criteria: Ambry Variant Classification Scheme 2023. Collection method: clinical testing. Allele origin: germline.
Comment: The p.R193G variant (also known as c.577C>G), located in coding exon 6 of the FAM175A gene, results from a C to G substitution at nucleotide position 577. The arginine at codon 193 is replaced by glycine, an amino acid with dissimilar properties. This amino acid position is conserved. In addition, this alteration is predicted to be tolerated by in silico analysis. Based on the available evidence, the clinical significance of this variant remains unclear.

NM_139076.3(ABRAXAS1):c.577C>G (p.Arg193Gly)

Gene: ABRAXAS1 (abraxas 1, BRCA1 A complex subunit; minus strand). Cytogenetic location: 4q21.23.
Variant type: single nucleotide variant.
Coding change: c.577C>G on transcript NM_139076.3 (MANE Select); coding-DNA position 577, C replaced by G.
Protein change: p.Arg193Gly; replaces arginine 193 with glycine.
Molecular consequence: missense variant.
Genome position (GRCh38, 1-based): chr4:83,469,051, G>C on the plus strand (C>G on the coding strand, the complement: ABRAXAS1 is on the minus strand). VCF-style: chr4-83469051-G-C. GRCh37 (hg19) VCF-style: chr4-84390204-G-C.
Other names: c.250C>G, p.Arg84Gly (NM_001345962.2); short protein forms R84G, R193G.
Identifiers: ClinVar variation 4186426 (VCV004186426.1).